The following is an entry in ClinVar:

NM_016222.4(DDX41):c.393G>C (p.Glu131Asp)

Gene: DDX41 (DEAD-box helicase 41; minus strand). Cytogenetic location: 5q35.3.
Variant type: single nucleotide variant.
Coding change: c.393G>C on transcript NM_016222.4 (MANE Select); coding-DNA position 393, G replaced by C.
Protein change: p.Glu131Asp; replaces glutamic acid 131 with aspartic acid.
Molecular consequence: missense variant.
Genome position (GRCh38, 1-based): chr5:177,515,970, C>G on the plus strand (G>C on the coding strand, the complement: DDX41 is on the minus strand). VCF-style: chr5-177515970-C-G. GRCh37 (hg19) VCF-style: chr5-176942971-C-G.
Other names: c.15G>C, p.Glu5Asp (NM_001321732.2, NM_001321830.2); short protein forms E131D, E5D.
Identifiers: ClinVar variation 3839029 (VCV003839029.1).

ClinVar aggregate classification (germline): Uncertain significance (1 of 4 stars; one submission).

Conditions:
Inborn genetic diseases. Identifiers: MedGen C0950123, MeSH D030342.

gnomAD v4.1: 1 of 1,614,226 alleles (0.000062%); highest among the groups gnomAD compares: Non-Finnish European, 0.000085%; no homozygotes.

Submission:

Ambry Genetics
Classification: Uncertain significance for Inborn genetic diseases. Last evaluated: 2025-02-28. Review status: criteria provided, single submitter. Criteria: Ambry Variant Classification Scheme 2023. Collection method: clinical testing. Allele origin: germline.
Comment: The p.E131D variant (also known as c.393G>C), located in coding exon 5 of the DDX41 gene, results from a G to C substitution at nucleotide position 393. The glutamic acid at codon 131 is replaced by aspartic acid, an amino acid with highly similar properties. This amino acid position is highly conserved in available vertebrate species. In addition, this alteration is predicted to be tolerated by in silico analysis. Based on the available evidence, the clinical significance of this variant remains unclear.